The following is an entry in ClinVar:

NM_001853.4(COL9A3):c.333G>A (p.Pro111=)

Gene: COL9A3 (collagen type IX alpha 3 chain; plus strand). Cytogenetic location: 20q13.33.
Variant type: single nucleotide variant.
Coding change: c.333G>A on transcript NM_001853.4 (MANE Select); coding-DNA position 333, G replaced by A.
Protein change: p.Pro111=; no amino-acid change (proline 111 retained).
Molecular consequence: synonymous variant.
Genome position (GRCh38, 1-based): chr20:62,821,204, G>A. VCF-style: chr20-62821204-G-A. GRCh37 (hg19) VCF-style: chr20-61452556-G-A.
Other names: c.333G>A, p.Pro111= (LRG_1253t1).
Identifiers: ClinVar variation 198138 (VCV000198138.37), dbSNP rs149690829, ClinGen allele CA246638.

ClinVar aggregate classification (germline): Likely benign. Review status: criteria provided, multiple submitters, no conflicts (2 of 4 stars). 6 submissions from 6 submitters: Likely benign (6). Last evaluated 2025-11-21.

Allele frequency attached by ClinVar (database versions not stated): ESP Exome Variant Server 0.00008; TOPMed 0.00012; gnomAD 0.00025 and 0.00026; 1000 Genomes Project 30x 0.00031; 1000 Genomes Project 0.00040.

Submissions (6):

Labcorp Genetics (formerly Invitae), Labcorp
Classification: Likely benign. Last evaluated: 2025-11-21. Review status: criteria provided, single submitter. Criteria: Invitae Variant Classification Sherloc (09022015). Collection method: clinical testing. Allele origin: germline.

Blueprint Genetics
Classification: Likely benign. Last evaluated: 2024-10-10. Review status: criteria provided, single submitter. Criteria: ACMG Guidelines, 2015. Collection method: clinical testing. Allele origin: germline.

CeGaT Center for Human Genetics Tuebingen
Classification: Likely benign. Last evaluated: 2024-05-01. Review status: criteria provided, single submitter. Criteria: CeGaT Center For Human Genetics Tuebingen Variant Classification Criteria Version 2. Collection method: clinical testing. Allele origin: germline. Affected: yes. Observed: 1 variant allele.
Comment: COL9A3: BP4, BP7

GeneDx
Classification: Likely benign. Last evaluated: 2020-11-30. Review status: criteria provided, single submitter. Criteria: GeneDx Variant Classification Process June 2021. Collection method: clinical testing. Allele origin: germline. Affected: yes.

Eurofins Ntd Llc (ga)
Classification: Likely benign. Last evaluated: 2017-11-06. Review status: criteria provided, single submitter. Criteria: EGL Classification Definitions 2015. Collection method: clinical testing. Allele origin: germline. Observed: 2 variant alleles, 2 heterozygotes.

PreventionGenetics, part of Exact Sciences
Classification: Likely benign. Review status: criteria provided, single submitter. Criteria: ACMG Guidelines, 2015. Collection method: clinical testing. Allele origin: germline.